The following is an entry in ClinVar:

NM_024740.2(ALG9):c.*323A>G

Gene: ALG9 (ALG9 alpha-1,2-mannosyltransferase; minus strand). Cytogenetic location: 11q23.1.
Variant type: single nucleotide variant.
Coding change: c.*323A>G on transcript NM_024740.2 (MANE Select); 323 bases downstream of the stop codon, A replaced by G.
Molecular consequence: 3 prime UTR variant. On other transcripts: missense variant (4), non-coding transcript variant (1).
Genome position (GRCh38, 1-based): chr11:111,786,074, T>C on the plus strand (A>G on the coding strand, the complement: ALG9 is on the minus strand). VCF-style: chr11-111786074-T-C. GRCh37 (hg19) VCF-style: chr11-111656798-T-C.
Other names: c.*323A>G (NM_001077690.1, NM_001077691.2, NM_001077692.2 and 9 more transcripts); c.1339A>G, p.Thr447Ala (NM_001352415.1, NM_001352416.1); c.1852A>G, p.Thr618Ala (NM_001352417.1); c.1360A>G, p.Thr454Ala (NM_001352419.1); c.*452A>G (NM_001352420.2); c.*446A>G (NM_001352421.2); short protein forms T447A, T454A, T618A.
Identifiers: ClinVar variation 3354837 (VCV003354837.1).

ClinVar aggregate classification (germline): Likely benign (0 of 4 stars; one submission).

Conditions:
ALG9-related disorder. Also called: ALG9-related condition.

gnomAD v4.1: 230 of 463,666 alleles (0.05%); highest among the groups gnomAD compares: African/African-American, 0.44%; no homozygotes.

Submission:

PreventionGenetics, part of Exact Sciences
Classification: Likely benign for ALG9-related condition. Last evaluated: 2024-07-23. Review status: no assertion criteria provided. Collection method: clinical testing. Allele origin: germline.
Comment: This variant is classified as likely benign based on ACMG/AMP sequence variant interpretation guidelines (Richards et al. 2015 PMID: 25741868, with internal and published modifications).